The following is an entry in ClinVar:

NM_024675.4(PALB2):c.3500C>T (p.Thr1167Ile)

Gene: PALB2 (partner and localizer of BRCA2; minus strand). Cytogenetic location: 16p12.2.
Variant type: single nucleotide variant.
Coding change: c.3500C>T on transcript NM_024675.4 (MANE Select); coding-DNA position 3500, C replaced by T.
Protein change: p.Thr1167Ile; replaces threonine 1167 with isoleucine.
Molecular consequence: missense variant.
Genome position (GRCh38, 1-based): chr16:23,603,520, G>A on the plus strand (C>T on the coding strand, the complement: PALB2 is on the minus strand). VCF-style: chr16-23603520-G-A. GRCh37 (hg19) VCF-style: chr16-23614841-G-A.
Other names: short protein forms T1167I.
Identifiers: ClinVar variation 482010 (VCV000482010.25), dbSNP rs1308784980, ClinGen allele CA395137900.
Genomic context (GRCh38, chr16:23,603,520, plus strand): 5'-TATGAATAGTGGTATACAAATATATTTCCATCTTTTTGTCCAGCCAGCAAATGAGAGTCT[G>A]TACCCGACCATTTCACAAAAGACCAATGTTGGTCAGAGACAGGTGGGAGGAGGGCAGTAC-3'
Protein context (NP_078951.2, residues 1157-1177): QHWSFVKWSG[Thr1167Ile]DSHLLAGQKD

ClinVar aggregate classification (germline): Conflicting classifications of pathogenicity. Review status: criteria provided, conflicting classifications (1 of 4 stars). 8 submissions from 8 submitters: Uncertain significance (5); Likely benign (2). 1 of the submissions does not count toward it. Last evaluated 2026-01-16.

Conditions:
Pancreatic cancer, susceptibility to, 3. Identifiers: Orphanet 1333, MedGen C3150547, MONDO:0013236, OMIM 613348.
Fanconi anemia complementation group N. Also called: PALB2-Related Fanconi Anemia. Identifiers: Orphanet 84, MedGen C1835817, MONDO:0012565, OMIM 610832. Disease mechanism: loss of function.
Breast-ovarian cancer, familial, susceptibility to, 5 (BROVCA5). Identifiers: MedGen C5830615, MONDO:0957530, OMIM 620442.
Hereditary cancer-predisposing syndrome. Also called: Hereditary neoplastic syndrome; Neoplastic Syndromes, Hereditary; Tumor predisposition; Hereditary Cancer Syndrome. Identifiers: Orphanet 140162, MedGen C0027672, MeSH D009386, MONDO:0015356.
Familial cancer of breast. Also called: BREAST CANCER, FAMILIAL; Hereditary breast cancer; hereditary breast carcinoma. Identifiers: Orphanet 227535, MedGen C0346153, MONDO:0016419, OMIM 114480. Disease mechanism: loss of function.

Allele frequency attached by ClinVar (database versions not stated): gnomAD exomes below 0.00001; TOPMed 0.00001.
gnomAD v4.1: 7 of 1,614,064 alleles (0.00043%); highest among the groups gnomAD compares: Admixed American, 0.0017%; no homozygotes.

Submissions (8):

Labcorp Genetics (formerly Invitae), Labcorp
Classification: Uncertain significance for Familial cancer of breast. Last evaluated: 2026-01-16. Review status: criteria provided, single submitter. Criteria: Invitae Variant Classification Sherloc (09022015). Collection method: clinical testing. Allele origin: germline.
Comment: This sequence change replaces threonine, which is neutral and polar, with isoleucine, which is neutral and non-polar, at codon 1167 of the PALB2 protein (p.Thr1167Ile). This variant is present in population databases (no rsID available, gnomAD 0.003%). This missense change has been observed in individual(s) with breast and/or ovarian cancer (PMID: 25186627, 35610400). ClinVar contains an entry for this variant (Variation ID: 482010). An algorithm developed to predict the effect of missense changes on protein structure and function (PolyPhen-2) suggests that this variant is likely to be disruptive. Experimental studies have shown that this missense change does not substantially affect PALB2 function (PMID: 31636395). In summary, the available evidence is currently insufficient to determine the role of this variant in disease. Therefore, it has been classified as a Variant of Uncertain Significance.

Myriad Genetics, Inc.
Classification: Likely benign for Familial cancer of breast. Last evaluated: 2025-01-22. Review status: criteria provided, single submitter. Criteria: Myriad Autosomal Dominant, Autosomal Recessive and X-Linked Classification Criteria (2023). Collection method: clinical testing. Allele origin: unknown.
Comment: This variant is considered likely benign. This variant has been observed in trans with a known pathogenic variant in one or more individuals lacking clinical features consistent with gene-specific recessive disease.

Ambry Genetics
Classification: Likely benign for Hereditary cancer-predisposing syndrome. Last evaluated: 2024-07-16. Review status: criteria provided, single submitter. Criteria: Ambry Variant Classification Scheme 2023. Collection method: clinical testing. Allele origin: germline.

Fulgent Genetics
Classification: Uncertain significance for Fanconi anemia complementation group N; Pancreatic cancer, susceptibility to, 3; Breast-ovarian cancer, familial, susceptibility to, 5. Last evaluated: 2024-01-02. Review status: criteria provided, single submitter. Criteria: ACMG Guidelines, 2015. Collection method: clinical testing. Allele origin: germline.

Quest Diagnostics Nichols Institute San Juan Capistrano
Classification: Uncertain significance. Last evaluated: 2023-06-23. Review status: criteria provided, single submitter. Criteria: Quest Diagnostics criteria. Collection method: clinical testing. Allele origin: unknown.
Comment: In the published literature, this variant has been reported in an individual with breast cancer (PMID: 25186627 (2015)). One experimental study reports the variant is does not impact PALB2 function (PMID: 31636395 (2020)). The frequency of this variant in the general population, 0.000004 (1/251474 chromosomes (Genome Aggregation Database)), is uninformative in the assessment of its pathogenicity. Analysis of this variant using bioinformatics tools for the prediction of the effect of amino acid changes on protein structure and function yielded conflicting predictions that this variant is benign or damaging. Based on the available information, we are unable to determine the clinical significance of this variant.

GeneDx
Classification: Uncertain significance. Last evaluated: 2019-11-11. Review status: criteria provided, single submitter. Criteria: GeneDx Variant Classification Process June 2021. Collection method: clinical testing. Allele origin: germline. Affected: yes.
Comment: Not observed at a significant frequency in large population cohorts (Lek 2016); In silico analysis, which includes protein predictors and evolutionary conservation, supports a deleterious effect; Published functional studies demonstrate no damaging effect: normal homology directed repair activity (Wiltshire 2019); Observed in an individual with breast cancer (Tung 2015); This variant is associated with the following publications: (PMID: 31636395, 25186627)

ARUP Laboratories, Molecular Genetics and Genomics, ARUP Laboratories
Classification: Uncertain significance. Last evaluated: 2018-01-28. Review status: criteria provided, single submitter. Criteria: ARUP Molecular Germline Variant Investigation Process. Collection method: clinical testing. Allele origin: germline.
Comment: The PALB2 c.3500C>T; p.Thr1167Ile variant is reported in the medical literature in an individual with a personal history of breast cancer and low risk based on family history (Tung 2014). The variant is listed as a variant of uncertain significance in the ClinVar database (Variation ID: 482010). The variant is listed in the Genome Aggregation Database in 1 out of 246250 alleles. The threonine at this position is conserved across species and computational algorithms (SIFT, Mutation Taster) predict this variant is deleterious. Additionally, missense variants in this domain have been shown to have reduced function (Park 2014). Considering available information, the clinical significance of this variant cannot be determined with certainty. Pathogenic PALB2 variants are associated with increased risk for breast cancer (MIM#610355). References: Park JY et al. Breast cancer-associated missense mutants of the PALB2 WD40 domain, which directly binds RAD51C, RAD51 and BRCA2, disrupt DNA repair. Oncogene. 2014 Oct 2;33(40):4803-12. Tung N et al. Frequency of mutations in individuals with breast cancer referred for BRCA1 and BRCA2 testing using next-generation sequencing with a 25-gene panel. Cancer. 2015 Jan 1;121(1):25-33.

Leiden Open Variation Database
Classification: Likely benign for Familial cancer of breast. Last evaluated: 2019-05-13. Review status: no assertion criteria provided. Collection method: curation. Allele origin: germline. Affected: yes. Not counted in ClinVar's aggregate classification.
Comment: Curators: Marc Tischkowitz, Arleen D. Auerbach. Submitter to LOVD: Marc Tischkowitz.

Literature cited by the submitters: PubMed 25186627 (cited by 3 submitters); PubMed 35610400 (cited by Labcorp Genetics (formerly Invitae), Labcorp and Ambry Genetics); PubMed 31636395 (cited by 3 submitters).